The following is an entry in ClinVar:

ClinVar aggregate classification (germline): Uncertain significance. Review status: criteria provided, multiple submitters, no conflicts (2 of 4 stars). 2 submissions from 2 submitters: Uncertain significance (2). Last evaluated 2024-03-06.

Conditions:
Familial thoracic aortic aneurysm and aortic dissection (TAAD). Also called: Thoracic aortic aneurysms and dissections. Identifiers: Orphanet 91387, MedGen C4707243, MONDO:0019625.

gnomAD v4.1: 2 of 1,613,182 alleles (0.00012%); highest among the groups gnomAD compares: Non-Finnish European, 0.00017%; no homozygotes.

Submissions (2):

Color Diagnostics, LLC DBA Color Health
Classification: Uncertain significance for Familial thoracic aortic aneurysm and aortic dissection. Last evaluated: 2024-03-06. Review status: criteria provided, single submitter. Criteria: ACMG Guidelines, 2015. Collection method: clinical testing. Allele origin: germline.
Comment: This missense variant replaces aspartic acid with tyrosine at codon 69 of the COL3A1 protein. Computational prediction suggests that this variant may not impact protein structure and function (internally defined REVEL score threshold <= 0.5, PMID: 27666373). Splice site prediction tools suggest that this variant may not impact RNA splicing. To our knowledge, functional studies have not been reported for this variant. This variant has not been reported in individuals affected with cardiovascular disorders in the literature. This variant has not been identified in the general population by the Genome Aggregation Database (gnomAD). The available evidence is insufficient to determine the role of this variant in disease conclusively. Therefore, this variant is classified as a Variant of Uncertain Significance.

Ambry Genetics
Classification: Uncertain significance for Familial thoracic aortic aneurysm and aortic dissection. Last evaluated: 2022-07-21. Review status: criteria provided, single submitter. Criteria: Ambry Variant Classification Scheme 2023. Collection method: clinical testing. Allele origin: germline.
Comment: The p.D69Y variant (also known as c.205G>T), located in coding exon 2 of the COL3A1 gene, results from a G to T substitution at nucleotide position 205. The aspartic acid at codon 69 is replaced by tyrosine, an amino acid with highly dissimilar properties. This amino acid position is poorly conserved in available vertebrate species. In addition, the in silico prediction for this alteration is inconclusive. Since supporting evidence is limited at this time, the clinical significance of this alteration remains unclear.

NM_000090.4(COL3A1):c.205G>T (p.Asp69Tyr)

Gene: COL3A1 (collagen type III alpha 1 chain; plus strand). Cytogenetic location: 2q32.2.
Variant type: single nucleotide variant.
Coding change: c.205G>T on transcript NM_000090.4 (MANE Select); coding-DNA position 205, G replaced by T.
Protein change: p.Asp69Tyr; replaces aspartic acid 69 with tyrosine.
Molecular consequence: missense variant.
Genome position (GRCh38, 1-based): chr2:188,984,885, G>T. VCF-style: chr2-188984885-G-T. GRCh37 (hg19) VCF-style: chr2-189849611-G-T.
Other names: short protein forms D69Y.
Identifiers: ClinVar variation 926838 (VCV000926838.6), dbSNP rs112714742, ClinGen allele CA349847204.